The following is an entry in ClinVar:

NM_001378030.1(CCDC78):c.101G>A (p.Gly34Glu)

Gene: CCDC78 (coiled-coil domain containing 78; minus strand). Cytogenetic location: 16p13.3.
Variant type: single nucleotide variant.
Coding change: c.101G>A on transcript NM_001378030.1 (MANE Select); coding-DNA position 101, G replaced by A.
Protein change: p.Gly34Glu; replaces glycine 34 with glutamic acid.
Molecular consequence: missense variant. On other transcripts: 5 prime UTR variant (1), non-coding transcript variant (5).
Genome position (GRCh38, 1-based): chr16:726,045, C>T on the plus strand (G>A on the coding strand, the complement: CCDC78 is on the minus strand). VCF-style: chr16-726045-C-T. GRCh37 (hg19) VCF-style: chr16-776045-C-T.
Other names: c.101G>A, p.Gly34Glu (NM_001031737.3, NM_001378031.1); c.-185G>A (NM_001378033.1); short protein forms G34E.
Identifiers: ClinVar variation 849270 (VCV000849270.1), dbSNP rs2040894714, ClinGen allele CA394105960.

ClinVar aggregate classification (germline): Uncertain significance (1 of 4 stars; one submission).

Conditions:
Congenital myopathy with internal nuclei and atypical cores. Also called: Myopathy, centronuclear, 4. Identifiers: Orphanet 319160, MedGen C4707232, MONDO:0013890, OMIM 614807.

Submission:

Labcorp Genetics (formerly Invitae), Labcorp
Classification: Uncertain significance for Myopathy, centronuclear, 4. Last evaluated: 2019-02-27. Review status: criteria provided, single submitter. Criteria: Invitae Variant Classification Sherloc (09022015). Collection method: clinical testing. Allele origin: germline.
Comment: This sequence change replaces glycine with glutamic acid at codon 34 of the CCDC78 protein (p.Gly34Glu). The glycine residue is highly conserved and there is a moderate physicochemical difference between glycine and glutamic acid. This variant is not present in population databases (ExAC no frequency). This variant has not been reported in the literature in individuals with CCDC78-related conditions. Algorithms developed to predict the effect of missense changes on protein structure and function output the following: SIFT: "Deleterious"; PolyPhen-2: "Benign"; Align-GVGD: "Class C0". The glutamic acid amino acid residue is found in multiple mammalian species, suggesting that this missense change does not adversely affect protein function. These predictions have not been confirmed by published functional studies and their clinical significance is uncertain. In summary, the available evidence is currently insufficient to determine the role of this variant in disease. Therefore, it has been classified as a Variant of Uncertain Significance.